The following is an entry in ClinVar:

NM_015450.3(POT1):c.238C>A (p.Arg80Ser)

Gene: POT1 (protection of telomeres 1; minus strand). Cytogenetic location: 7q31.33.
Variant type: single nucleotide variant.
Coding change: c.238C>A on transcript NM_015450.3 (MANE Select); coding-DNA position 238, C replaced by A.
Protein change: p.Arg80Ser; replaces arginine 80 with serine.
Molecular consequence: missense variant. On other transcripts: non-coding transcript variant (3), intron variant (1).
Genome position (GRCh38, 1-based): chr7:124,870,928, G>T on the plus strand (C>A on the coding strand, the complement: POT1 is on the minus strand). VCF-style: chr7-124870928-G-T. GRCh37 (hg19) VCF-style: chr7-124510982-G-T.
Other names: c.-138-7288C>A (NM_001042594.2); short protein forms R80S.
Identifiers: ClinVar variation 3308969 (VCV003308969.1).

ClinVar aggregate classification (germline): Uncertain significance (1 of 4 stars; one submission).

Conditions:
Hereditary cancer-predisposing syndrome. Also called: Neoplastic Syndromes, Hereditary; Tumor predisposition; Hereditary neoplastic syndrome; Hereditary Cancer Syndrome. Identifiers: Orphanet 140162, MedGen C0027672, MeSH D009386, MONDO:0015356.

Submission:

Ambry Genetics
Classification: Uncertain significance for Hereditary cancer-predisposing syndrome. Last evaluated: 2024-05-25. Review status: criteria provided, single submitter. Criteria: Ambry Variant Classification Scheme 2023. Collection method: clinical testing. Allele origin: germline.
Comment: The p.R80S variant (also known as c.238C>A), located in coding exon 3 of the POT1 gene, results from a C to A substitution at nucleotide position 238. The arginine at codon 80 is replaced by serine, an amino acid with dissimilar properties. This amino acid position is conserved. In addition, this alteration is predicted to be deleterious by in silico analysis. Based on the available evidence, the clinical significance of this variant remains unclear.